The following is an entry in ClinVar:

ClinVar aggregate classification (germline): Pathogenic. Review status: criteria provided, multiple submitters, no conflicts (2 of 4 stars). 2 submissions from 2 submitters: Pathogenic (2). Last evaluated 2026-02-05.

Conditions:
Hereditary cancer-predisposing syndrome. Also called: Tumor predisposition; Hereditary Cancer Syndrome; Neoplastic Syndromes, Hereditary; Hereditary neoplastic syndrome. Identifiers: Orphanet 140162, MedGen C0027672, MeSH D009386, MONDO:0015356.
Rhabdoid tumor predisposition syndrome 2 (RTPS2). Identifiers: Orphanet 231108, Orphanet 69077, MedGen C2750074, MONDO:0013224, OMIM 613325.

Allele frequency attached by ClinVar (database versions not stated): gnomAD exomes below 0.00001.
gnomAD v4.1: 1 of 1,613,722 alleles (0.000062%); highest among the groups gnomAD compares: South Asian, 0.0011%; no homozygotes.

Submissions (2):

Ambry Genetics
Classification: Pathogenic for Hereditary cancer-predisposing syndrome. Last evaluated: 2026-02-05. Review status: criteria provided, single submitter. Criteria: Ambry Variant Classification Scheme 2023. Collection method: clinical testing. Allele origin: germline.
Comment: The p.Q678* pathogenic mutation (also known as c.2032C>T), located in coding exon 13 of the SMARCA4 gene, results from a C to T substitution at nucleotide position 2032. This changes the amino acid from a glutamine to a stop codon within coding exon 13. This alteration is expected to result in loss of function by premature protein truncation or nonsense-mediated mRNA decay. This variant is considered to be rare based on population cohorts in the Genome Aggregation Database (gnomAD). Loss-of-function variants in SMARCA4 are known to cause rhabdoid tumor predisposition syndrome including small cell carcinoma of the ovary-hypercalcemic type (SCCOHT); however, such associations with neurodevelopmental disorders are exceedingly rare (Kosho T et al. Am J Med Genet C Semin Med Genet. 2014 Sep;166C(3):262-75; Jelinic P et al. Nat Genet. 2014 May;46(5):424-6). Based on the supporting evidence, this alteration is pathogenic for rhabdoid tumor predisposition syndrome; however, the association of this alteration with Coffin-Siris syndrome is unlikely.

Labcorp Genetics (formerly Invitae), Labcorp
Classification: Pathogenic for Rhabdoid tumor predisposition syndrome 2. Last evaluated: 2025-11-13. Review status: criteria provided, single submitter. Criteria: Invitae Variant Classification Sherloc (09022015). Collection method: clinical testing. Allele origin: germline.
Comment: This sequence change creates a premature translational stop signal (p.Gln678*) in the SMARCA4 gene. It is expected to result in an absent or disrupted protein product. Loss-of-function variants in SMARCA4 are known to be pathogenic (PMID: 24658001, 24658002). This variant is not present in population databases (gnomAD no frequency). This variant has not been reported in the literature in individuals affected with SMARCA4-related conditions. ClinVar contains an entry for this variant (Variation ID: 486489). For these reasons, this variant has been classified as Pathogenic.

Literature cited by the submitters: PubMed 21566516 (cited by Ambry Genetics); PubMed 24658001 (cited by Labcorp Genetics (formerly Invitae), Labcorp); PubMed 24658002 (cited by Labcorp Genetics (formerly Invitae), Labcorp).

NM_003072.5(SMARCA4):c.2032C>T (p.Gln678Ter)

Gene: SMARCA4 (SWI/SNF related BAF chromatin remodeling complex subunit ATPase 4; plus strand). Cytogenetic location: 19p13.2.
Variant type: single nucleotide variant.
Coding change: c.2032C>T on transcript NM_003072.5 (MANE Select); coding-DNA position 2032, C replaced by T.
Protein change: p.Gln678Ter; replaces glutamine 678 with a stop codon.
Molecular consequence: nonsense. On other transcripts: non-coding transcript variant (1).
Genome position (GRCh38, 1-based): chr19:11,007,932, C>T. VCF-style: chr19-11007932-C-T. GRCh37 (hg19) VCF-style: chr19-11118608-C-T.
Other names: c.2032C>T, p.Gln678Ter (NM_001128844.3, NM_001128845.2, NM_001128846.2 and 5 more transcripts); short protein forms Q678*.
Identifiers: ClinVar variation 486489 (VCV000486489.13), dbSNP rs1555771571, ClinGen allele CA404052431.
Genomic context (GRCh38, chr19:11,007,932, plus strand): 5'-CTGAGGTGACATGGGCTTGTCTCTTGGTAGGAGGAGGAGGAAGAGCAGCCGCAGGCAGCA[C>T]AGCCTCCCACCCTGCCCGTGGAGGAGAAGAAGAAGATTCCAGATCCAGACAGCGATGACG-3'